The following is an entry in ClinVar:

ClinVar aggregate classification (germline): Conflicting classifications of pathogenicity. Review status: criteria provided, conflicting classifications (1 of 4 stars). 3 submissions from 3 submitters: Uncertain significance (1); Likely benign (2). Last evaluated 2025-06-22.

Conditions:
Mitochondrial complex IV deficiency, nuclear type 1 (MC4DN1). Also called: COX DEFICIENCY; Mitochondrial complex IV deficiency; Complex 4 mitochondrial respiratory chain deficiency; Deficiency of mitochondrial respiratory chain complex4; Complex IV deficiency. Identifiers: MedGen C5435656, MONDO:0700250, OMIM 220110. Disease mechanism: loss of function.

Allele frequency attached by ClinVar (database versions not stated): TOPMed 0.00006.
gnomAD v4.1: 46 of 1,573,986 alleles (0.0029%); highest among the groups gnomAD compares: East Asian, 0.038%; 1 homozygote.

Submissions (3):

Labcorp Genetics (formerly Invitae), Labcorp
Classification: Likely benign. Last evaluated: 2025-06-22. Review status: criteria provided, single submitter. Criteria: Invitae Variant Classification Sherloc (09022015). Collection method: clinical testing. Allele origin: germline.

Illumina Laboratory Services, Illumina
Classification: Uncertain significance for Mitochondrial complex IV deficiency, nuclear type 1. Last evaluated: 2018-01-13. Review status: criteria provided, single submitter. Criteria: ICSL Variant Classification Criteria 13 December 2019. Collection method: clinical testing. Allele origin: germline.

GeneDx
Classification: Likely benign. Last evaluated: 2017-11-01. Review status: criteria provided, single submitter. Criteria: GeneDx Variant Classification (06012015). Collection method: clinical testing. Allele origin: germline. Affected: yes.
Comment: This variant is considered likely benign or benign based on one or more of the following criteria: it is a conservative change, it occurs at a poorly conserved position in the protein, it is predicted to be benign by multiple in silico algorithms, and/or has population frequency not consistent with disease.

NM_001136193.2(FASTKD2):c.991-13G>C

Gene: FASTKD2 (FAST kinase domains 2; plus strand). Cytogenetic location: 2q33.3.
Variant type: single nucleotide variant.
Coding change: c.991-13G>C on transcript NM_001136193.2 (MANE Select); 13 bases into the intron before coding-DNA position 991, G replaced by C.
Molecular consequence: intron variant.
Genome position (GRCh38, 1-based): chr2:206,771,881, G>C. VCF-style: chr2-206771881-G-C. GRCh37 (hg19) VCF-style: chr2-207636605-G-C.
Other names: c.991-13G>C (NM_001136194.2, NM_014929.4).
Identifiers: ClinVar variation 333804 (VCV000333804.12), dbSNP rs13421046, ClinGen allele CA2075033.